The following is an entry in ClinVar:

ClinVar aggregate classification (germline): Uncertain significance (1 of 4 stars; one submission).

Submission:

Women's Health and Genetics/Laboratory Corporation of America, LabCorp
Classification: Uncertain significance. Last evaluated: 2025-06-09. Review status: criteria provided, single submitter. Criteria: LabCorp Variant Classification Summary - May 2015. Collection method: clinical testing. Allele origin: germline.
Comment: Variant summary: GCDH c.665T>C (p.Phe222Ser) results in a non-conservative amino acid change in the encoded protein sequence. Algorithms developed to predict the effect of missense changes on protein structure and function all suggest that this variant is likely to be disruptive. The variant was absent in 251386 control chromosomes. The available data on variant occurrences in the general population are insufficient to allow any conclusion about variant significance. c.665T>C has been observed in individual(s) affected with Glutaric Acidemia Type 1 without clinical information or genotype-phenotype correlation (Schuurmans_2023). These report(s) do not provide unequivocal conclusions about association of the variant with Glutaric Acidemia Type 1. To our knowledge, no experimental evidence demonstrating an impact on protein function has been reported. The following publication have been ascertained in the context of this evaluation (PMID: 38137040). No submitters have cited clinical-significance assessments for this variant to ClinVar. Based on the evidence outlined above, the variant was classified as uncertain significance.

Literature cited by the submitters: PubMed 38137040.

NM_000159.4(GCDH):c.665T>C (p.Phe222Ser)

Gene: GCDH (glutaryl-CoA dehydrogenase; plus strand). Cytogenetic location: 19p13.13.
Variant type: single nucleotide variant.
Coding change: c.665T>C on transcript NM_000159.4 (MANE Select); coding-DNA position 665, T replaced by C.
Protein change: p.Phe222Ser; replaces phenylalanine 222 with serine.
Molecular consequence: missense variant. On other transcripts: non-coding transcript variant (1).
Genome position (GRCh38, 1-based): chr19:12,896,234, T>C. VCF-style: chr19-12896234-T-C. GRCh37 (hg19) VCF-style: chr19-13007048-T-C.
Other names: c.665T>C, p.Phe222Ser (NM_013976.5); short protein forms F222S.
Identifiers: ClinVar variation 3907288 (VCV003907288.1).